The following is an entry in ClinVar:

ClinVar aggregate classification (germline): Pathogenic (1 of 4 stars; one submission).

Conditions:
Neurofibromatosis, type 1 (NF1). Also called: VON RECKLINGHAUSEN DISEASE; Neurofibromatosis, type I; NEUROFIBROMATOSIS, TYPE I, SOMATIC; Peripheral type neurofibromatosis. Identifiers: Orphanet 636, MedGen C0027831, MONDO:0018975, OMIM 162200. Disease mechanism: loss of function.

Submission:

MVZ Medizinische Genetik Mainz
Classification: Pathogenic for Neurofibromatosis, type 1. Last evaluated: 2022-12-22. Review status: criteria provided, single submitter. Criteria: UK Practice Guidelines For Variant Classification V4 01 2020. Collection method: clinical testing. Allele origin: germline. Inheritance: Autosomal dominant inheritance. Affected: yes. Observed: 1 variant allele.
Comment: ACMG Criteria: PVS1, PM2_SUP_MOD (ACMG Version 4); UPDATE: + PM6 ;

NM_001042492.3(NF1):c.3743del (p.Asp1248fs)

Gene: NF1 (neurofibromin 1; plus strand). Cytogenetic location: 17q11.2.
Variant type: Deletion.
Coding change: c.3743del on transcript NM_001042492.3 (MANE Select); coding-DNA position 3743, one base deleted (A; older notation c.3743delA).
Protein change: p.Asp1248fs; shifts the reading frame from aspartic acid 1248.
Molecular consequence: frameshift variant.
Genome position (GRCh38, 1-based): chr17:31,235,645, A deleted. VCF-style (leftmost placement, unchanged base first): chr17-31235644-GA-G. GRCh37 (hg19) VCF-style: chr17-29562662-GA-G.
Other names: c.3743delA, p.Asp1248Valfs (NM_000267.4); short protein forms D1248fs.
Identifiers: ClinVar variation 3235229 (VCV003235229.1), dbSNP rs2508258444.